The following is an entry in ClinVar:

NM_004360.5(CDH1):c.1321-49A>G

Gene: CDH1 (cadherin 1; plus strand). Cytogenetic location: 16q22.1.
Variant type: single nucleotide variant.
Coding change: c.1321-49A>G on transcript NM_004360.5 (MANE Select); 49 bases into the intron before coding-DNA position 1321, A replaced by G.
Molecular consequence: intron variant.
Genome position (GRCh38, 1-based): chr16:68,815,466, A>G. VCF-style: chr16-68815466-A-G. GRCh37 (hg19) VCF-style: chr16-68849369-A-G.
Other names: c.-228-49A>G (NM_001317185.2); c.-499-49A>G (NM_001317186.2); c.1138-49A>G (NM_001317184.2).
Identifiers: ClinVar variation 2502952 (VCV002502952.1), dbSNP rs2152134610, ClinGen allele CA2580612851.
Genomic context (GRCh38, chr16:68,815,466, plus strand): 5'-TTGCACCAACCTAATATATTACCAAAAGCAACAGTTAAGGATTTAATTTTATTTTTACTA[A>G]CACAAAATGTTTCGTTTTGTTTTTAACTTCATTGTTTCTGCTCTCTAGGGCTTGGATTTT-3'

ClinVar aggregate classification (germline): Uncertain significance (1 of 4 stars; one submission).

Conditions:
Hereditary diffuse gastric adenocarcinoma (HDGC). Also called: DIFFUSE GASTRIC AND LOBULAR BREAST CANCER SYNDROME. Identifiers: Orphanet 26106, MedGen C1708349, MONDO:0007648, OMIM 137215.

Submission:

European Reference Network on Genetic Tumour Risk Syndromes (ERN-GENTURIS), i3s - Instituto de Investigação e Inovação em Saúde, University of Porto
Classification: Uncertain significance for Hereditary diffuse gastric adenocarcinoma. Last evaluated: 2022-08-01. Review status: criteria provided, single submitter. Criteria: Lee et al. (Hum Mutat. 2018). Collection method: clinical testing. Allele origin: germline. Inheritance: Autosomal dominant inheritance. Affected: no. Study: ERN GENTURIS.
Comment: PM2 (PMID: 30311375)

Literature cited by the submitters: PubMed 36436516.